The following is an entry in ClinVar:

ClinVar aggregate classification (germline): Uncertain significance (1 of 4 stars; one submission).

Submission:

CeGaT Center for Human Genetics Tuebingen
Classification: Uncertain significance. Last evaluated: 2023-01-01. Review status: criteria provided, single submitter. Criteria: CeGaT Center For Human Genetics Tuebingen Variant Classification Criteria Version 2. Collection method: clinical testing. Allele origin: germline. Affected: yes. Observed: 1 variant allele.
Comment: KDM6B: PM2, PP2, BP4

NM_001348716.2(KDM6B):c.3962A>G (p.Lys1321Arg)

Genes: KDM6B (lysine demethylase 6B; plus strand), LOC121587574 (Sharpr-MPRA regulatory region 3930; plus strand). Cytogenetic location: 17p13.1.
Variant type: single nucleotide variant.
Coding change: c.3962A>G on transcript NM_001348716.2 (MANE Select); coding-DNA position 3962, A replaced by G.
Protein change: p.Lys1321Arg; replaces lysine 1321 with arginine.
Molecular consequence: missense variant.
Genome position (GRCh38, 1-based): chr17:7,851,495, A>G. VCF-style: chr17-7851495-A-G. GRCh37 (hg19) VCF-style: chr17-7754813-A-G.
Other names: c.3962A>G, p.Lys1321Arg (NM_001080424.2); short protein forms K1321R.
Identifiers: ClinVar variation 2647412 (VCV002647412.24), dbSNP rs2544532830, ClinGen allele CA397926488.
Genomic context (GRCh38, chr17:7,851,495, plus strand): 5'-CCTCCCTCTGCTCTCCACCAACCTGTGCTCTTCGCCCCAGCAGCAGCGCACCAGACCCGA[A>G]GAACCATCACATCATCAAGTTTGGCACCAACATCGACTTGTCTGATGCTAAGCGGTCAGT-3'
Protein context (NP_001335645.1, residues 1311-1331): GTPPSSAPDP[Lys1321Arg]NHHIIKFGTN